The following is an entry in ClinVar:

NM_000169.3(GLA):c.547G>A (p.Gly183Ser)

Genes: GLA (galactosidase alpha; minus strand), RPL36A-HNRNPH2 (RPL36A-HNRNPH2 readthrough; plus strand). Cytogenetic location: Xq22.1.
Variant type: single nucleotide variant.
Coding change: c.547G>A on transcript NM_000169.3 (MANE Select); coding-DNA position 547, G replaced by A.
Protein change: p.Gly183Ser; replaces glycine 183 with serine.
Molecular consequence: missense variant. On other transcripts: non-coding transcript variant (3), intron variant (2).
Genome position (GRCh38, 1-based): chrX:101,401,632, C>T on the plus strand (G>A on the coding strand, the complement: GLA is on the minus strand). VCF-style: chrX-101401632-C-T. GRCh37 (hg19) VCF-style: chrX-100656620-C-T.
Other names: c.670G>A, p.Gly224Ser (NM_001406747.1, NM_001406749.1); c.547G>A, p.Gly183Ser (NM_001406748.1); c.300+6175C>T (NM_001199973.2); c.177+9810C>T (NM_001199974.2); short protein forms G183S, G224S.
Identifiers: ClinVar variation 222281 (VCV000222281.15), dbSNP rs869312324, ClinGen allele CA352572.

ClinVar aggregate classification (germline): Pathogenic/Likely pathogenic. Review status: criteria provided, multiple submitters, no conflicts (2 of 4 stars). 6 submissions from 6 submitters: Pathogenic (4); Likely pathogenic (2). Last evaluated 2026-09-08.

Conditions:
Cardiovascular phenotype. Identifiers: MedGen CN230736.
Fabry disease. Also called: CERAMIDE TRIHEXOSIDASE DEFICIENCY; GLA DEFICIENCY; HEREDITARY DYSTOPIC LIPIDOSIS; Ceramide trihexosidosis; Fabry's disease; Angiokeratoma corporis diffusum. Identifiers: Orphanet 324, MedGen C0002986, MONDO:0010526, OMIM 301500, HP:0001071. Disease mechanism: Fabry disease is due to inactivating mutations in the X-linked GLA gene resulting in deficiency of the enzyme Alpha Galactosidase-A., loss of function.

Submissions (6):

Genomenon, Inc
Classification: Likely pathogenic for Fabry disease. Last evaluated: 2026-09-08. Review status: criteria provided, single submitter. Criteria: Genomenon Sequence Variant Interpretation Standards - Updated. Collection method: curation. Allele origin: germline. Affected: yes.
Comment: GLA p.Gly183Ser (c.547G>A) is a missense variant that changes the amino acid at codon 183 from Glycine to Serine. This variant has been observed in at least one proband with clinical features consistent with Fabry disease (PMID:28736719;32843101;32719972;28977874;18974770;37940383;30677769;37197914;32389574;30477121;12175777;29770213;29361493). The variant was found to segregate with disease in at least one affected family (PMID:28977874;36140787). Functional or patient cell studies have been reported (PMID:24386359;21598360;18974770;32843101;30677769;36140787;28977874;19387866;32389574). It is absent or not present at a significant frequency in gnomAD. In silico models predict that this variant is possibly or probably damaging. In conclusion, we classify GLA p.Gly183Ser (c.547G>A) as a likely pathogenic variant.

Myriad Genetics, Inc.
Classification: Likely pathogenic for Fabry disease. Last evaluated: 2026-05-07. Review status: criteria provided, single submitter. Criteria: Myriad Autosomal Dominant, Autosomal Recessive and X-Linked Classification Criteria (2023). Collection method: clinical testing. Allele origin: unknown.
Comment: NM_000169.2(GLA):c.547G>A(G183S) is a missense variant classified as likely pathogenic in the context of Fabry disease. G183S has been observed in cases with relevant disease (PMID: 38002959, 28977874, 29770213, 29361493, 37197914). Relevant functional assessments of this variant are available in the literature (PMID: 21598360). G183S has not been observed in referenced population frequency databases. In summary, NM_000169.2(GLA):c.547G>A(G183S) is a missense variant that has functional support for pathogenicity and has been observed more frequently in cases with the relevant disease than in healthy populations. Please note: this variant was assessed in the context of healthy population screening.

Ambry Genetics
Classification: Pathogenic for Cardiovascular phenotype. Last evaluated: 2022-07-28. Review status: criteria provided, single submitter. Criteria: Ambry Variant Classification Scheme 2023. Collection method: clinical testing. Allele origin: germline.
Comment: The p.G183S pathogenic mutation (also known as c.547G>A), located in coding exon 3 of the GLA gene, results from a G to A substitution at nucleotide position 547. The glycine at codon 183 is replaced by serine, an amino acid with similar properties. However, this change occurs in the last base pair of coding exon 3, which makes it likely to have some effect on normal mRNA splicing. This variant has been detected in unrelated males reported to have features consistent with Fabry disease (FD) including reduced enzyme activity, and females with this variant have also been reported to have some features of FD (Shabbeer J et al. Mol Genet Metab, 2002 May;76:23-30; Sayer JA et al. Kidney Int, 2008 Nov;74:1366; Benjamin ER et al. J Inherit Metab Dis, 2009 Jun;32:424-40; McCloskey S et al. F1000Res, 2018 Mar;7:356; Tuttolomondo A et al. Oncotarget, 2017 Sep;8:61415-61424; Jain R et al. JACC Cardiovasc Imaging, 2018 Apr;11:644-647; Moiseev S et al. Nephron, 2019 Jan;141:249-255). This variant is considered to be rare based on population cohorts in the Genome Aggregation Database (gnomAD). These nucleotide and amino acid positions are highly conserved in available vertebrate species. In silico splice site analysis predicts that this alteration will weaken the native splice donor site. In addition, as a missense substitution this alteration is predicted to be deleterious by in silico analysis. Based on the supporting evidence, this alteration is interpreted as a disease-causing mutation.

Genome-Nilou Lab
Classification: Pathogenic for Fabry disease. Last evaluated: 2021-07-15. Review status: criteria provided, single submitter. Criteria: ACMG Guidelines, 2015. Collection method: clinical testing. Allele origin: germline. Affected: no.

Women's Health and Genetics/Laboratory Corporation of America, LabCorp
Classification: Pathogenic for Fabry disease. Last evaluated: 2020-09-01. Review status: criteria provided, single submitter. Criteria: LabCorp Variant Classification Summary - May 2015. Collection method: clinical testing. Allele origin: germline.
Comment: Variant summary: GLA c.547G>A (p.Gly183Ser) results in a non-conservative amino acid change in the encoded protein sequence. Five of five in-silico tools predict a damaging effect of the variant on protein function. Several computational tools predict a significant impact on normal splicing: Two predict the variant abolishes a 5 splicing donor site. However, these predictions have yet to be confirmed by functional studies. The variant was absent in 183417 control chromosomes (gnomAD). c.547G>A has been reported in the literature in multiple individuals affected with Fabry Disease (example: Shabbeer_2002, Tuttolomondo_2017, Sayer_2008, Benjamin_2009, Duro_2018, Jain_2018). Few of these patients were presented with a classic phenotype. These data indicate that the variant is very likely to be associated with disease. The variant resulted in very low enzymatic activity both in patients and in in vitro cell based assays (example: Shabbeer_2002, Wu_2011, Tuttolomondo_2017, Sayer_2008, Benjamin_2009). One ClinVar submitter (evaluation after 2014) cite the variant as pathogenic. In the HGMD database, there are several other variants affecting the same codon and nearby codons (example: p.G183A , p.G183R , p.G183D , p.G183V, p.Y184N, p.L180V ) suggesting this area might be mutational hotspot. Based on the evidence outlined above, the variant was classified as pathogenic.

Eurofins Ntd Llc (ga)
Classification: Pathogenic. Last evaluated: 2017-12-28. Review status: criteria provided, single submitter. Criteria: EGL Classification Definitions 2015. Collection method: clinical testing. Allele origin: germline. Observed: 5 variant alleles, 2 heterozygotes, 3 hemizygotes.

Literature cited by the submitters: PubMed 28736719 (cited by Genomenon, Inc); PubMed 32843101 (cited by Genomenon, Inc); PubMed 32719972 (cited by Genomenon, Inc and Ambry Genetics); PubMed 28977874 (cited by 4 submitters); PubMed 18974770 (cited by 3 submitters); PubMed 37940383 (cited by Genomenon, Inc); PubMed 30677769 (cited by Genomenon, Inc and Ambry Genetics); PubMed 37197914 (cited by Genomenon, Inc and Myriad Genetics, Inc.); PubMed 32389574 (cited by Genomenon, Inc); PubMed 30477121 (cited by 3 submitters); PubMed 12175777 (cited by 4 submitters); PubMed 29770213 (cited by 3 submitters); PubMed 29361493 (cited by 4 submitters); PubMed 36140787 (cited by Genomenon, Inc); PubMed 24386359 (cited by Genomenon, Inc); PubMed 21598360 (cited by 5 submitters); PubMed 19387866 (cited by 3 submitters); PubMed 38002959 (cited by Myriad Genetics, Inc.).